The following continues an entry in ClinVar:

NM_002693.3(POLG):c.2890C>T (p.Arg964Cys)

Gene: POLG. ClinVar aggregate classification (germline): Conflicting classifications of pathogenicity. Pathogenic (5); Likely pathogenic (9); Uncertain significance (11); Benign (1).

Submissions 6 to 20 of 27:

Women's Health and Genetics/Laboratory Corporation of America, LabCorp
Classification: Uncertain significance. Last evaluated: 2025-08-25. Review status: criteria provided, single submitter. Criteria: LabCorp Variant Classification Summary - May 2015. Collection method: clinical testing. Allele origin: germline.
Comment: Variant summary: POLG c.2890C>T (p.Arg964Cys) results in a non-conservative amino acid change located in the DNA-directed DNA polymerase, family A, palm domain (IPR001098) of the encoded protein sequence. Algorithms developed to predict the effect of missense changes on protein structure and function all suggest that this variant is likely to be disruptive. The variant allele was found at a frequency of 0.00068 in 251154 control chromosomes, predominantly at a frequency of 0.0088 within the East Asian subpopulation in the gnomAD database, including 1 homozygote. The observed variant frequency within East Asian control individuals in the gnomAD database exceeds the estimated maximal expected allele frequency for a pathogenic variant in POLG causing POLG-Related Spectrum Disorders phenotype. c.2890C>T has been reported in the literature in several individuals affected with clinical features of POLG-Related Spectrum Disorders without strong evidence for causality (example, Yamanaka_2007, Wong_2008, Strickler_2009, Tang_2011, Ohba_2013, Han_2019, Hu_2020, Li_2021). These report(s) do not provide unequivocal conclusions about association of the variant with POLG-Related Spectrum Disorders. At least one publication reports experimental evidence evaluating an impact on protein function. The most pronounced variant effect results in 14% of normal polymerase gamma enzyme activity in vitro (example, Yamanaka_2007). The following publications have been ascertained in the context of this evaluation (PMID: 19364868, 31665838, 32348839, 34690748, 24091540, 19762913, 21880868, 18546365, 17436221, 40034369). ClinVar contains an entry for this variant (Variation ID: 206537). Based on the evidence outlined above, the variant was classified as VUS-possibly benign.

Mayo Clinic Laboratories, Mayo Clinic
Classification: Uncertain significance. Last evaluated: 2025-08-05. Review status: criteria provided, single submitter. Criteria: ACMG Guidelines, 2015. Collection method: clinical testing. Allele origin: germline. Observed: 6 variant alleles.
Comment: BS1, PP3_strong, PM3, PS3

3billion
Classification: Likely pathogenic for Sensory ataxic neuropathy, dysarthria, and ophthalmoparesis. Last evaluated: 2025-06-04. Review status: criteria provided, single submitter. Criteria: ACMG Guidelines, 2015. Collection method: clinical testing. Allele origin: germline. Affected: yes.
Comment: The variant is observed in the gnomAD v4.1.0 dataset (total allele frequency: 0.024%). Predicted Consequence/Location: The variant is located in a mutational hot spot and/or well-established functional domain in which established pathogenic variants have been reported (PMID: 19010300). In silico tool predictions suggest damaging effect of the variant on gene or gene product [REVEL: 0.97 (>=0.6, sensitivity 0.68 and specificity 0.92); 3Cnet: 0.80 (> 0.75, sensitivity 0.96 and precision 0.92)]. The same nucleotide change resulting in the same amino acid change has been previously reported as pathogenic/likely pathogenic with strong evidence (ClinVar ID: VCV000206537 /PMID: -, 17436221 /3billion dataset). Therefore, this variant is classified as Likely pathogenic according to the recommendation of ACMG/AMP guideline.

First Genomix Gene Laboratory, Genetic Diagnostics Department
Classification: Likely pathogenic for Progressive sclerosing poliodystrophy; Mitochondrial DNA depletion syndrome 4b; Sensory ataxic neuropathy, dysarthria, and ophthalmoparesis; Progressive external ophthalmoplegia with mitochondrial DNA deletions, autosomal recessive 1. Last evaluated: 2025-04-14. Review status: criteria provided, single submitter. Criteria: ACMG Guidelines, 2015. Collection method: clinical testing. Allele origin: germline. Inheritance: Autosomal recessive inheritance. Affected: no. Observed: 1 variant allele.

Blueprint Genetics
Classification: Likely pathogenic for POLG-related disorders. Last evaluated: 2024-11-25. Review status: criteria provided, single submitter. Criteria: ACMG Guidelines, 2015. Collection method: clinical testing. Allele origin: de novo. Affected: yes. Observed: 5 variant alleles.

Ambry Genetics
Classification: Uncertain significance for Inborn genetic diseases. Last evaluated: 2024-10-01. Review status: criteria provided, single submitter. Criteria: Ambry Variant Classification Scheme 2023. Collection method: clinical testing. Allele origin: germline.
Comment: The p.R964C variant (also known as c.2890C>T), located in coding exon 17 of the POLG gene, results from a C to T substitution at nucleotide position 2890. The arginine at codon 964 is replaced by cysteine, an amino acid with highly dissimilar properties. This alteration has been identified in two individuals who were compound heterozygotes for POLG alterations and had a clinical diagnosis of an autosomal recessive POLG-related disorder. The alteration is location in the polymerase domain and functional studies indicated that there was a decrease in the polymerase activity compared to wild type (Yamanaka H et al. J. Infect. Dis., 2007 May;195:1419-25; Bailey CM et al. Antimicrob. Agents Chemother., 2009 Jun;53:2610-2). Based on data from gnomAD, the frequency for this variant is above the maximum credible frequency for a disease-causing variant in this gene based on internally established thresholds (Karczewski et al. Nature. 2020 May;581(7809):434-443; Whiffin et al. Genet Med. 2017 10;19:1151-1158). This amino acid position is highly conserved in available vertebrate species. In addition, this alteration is predicted to be deleterious by in silico analysis. Based on the available evidence, the clinical significance of this variant remains unclear for autosomal recessive POLG-related mitochondrial disorders; however, it is unlikely to be causative of autosomal dominant POLG-related progressive external ophthalmoplegia.

Revvity Omics, Revvity
Classification: Uncertain significance. Last evaluated: 2024-09-05. Review status: criteria provided, single submitter. Criteria: ACMG Guidelines, 2015. Collection method: clinical testing. Allele origin: germline.

Fulgent Genetics
Classification: Likely pathogenic for Progressive external ophthalmoplegia with mitochondrial DNA deletions, autosomal dominant 1; Progressive sclerosing poliodystrophy; Progressive external ophthalmoplegia with mitochondrial DNA deletions, autosomal recessive 1; Sensory ataxic neuropathy, dysarthria, and ophthalmoparesis; Mitochondrial DNA depletion syndrome 4b. Last evaluated: 2024-06-14. Review status: criteria provided, single submitter. Criteria: ACMG Guidelines, 2015. Collection method: clinical testing. Allele origin: germline.

Athena Diagnostics
Classification: Uncertain significance. Last evaluated: 2024-04-30. Review status: criteria provided, single submitter. Criteria: Athena Diagnostics Criteria. Collection method: clinical testing. Allele origin: unknown.
Comment: Available data are insufficient to determine the clinical significance of the variant at this time. The frequency of this variant in the general population is higher than would generally be expected for pathogenic variants in this gene. (Genome Aggregation Database (gnomAD), Cambridge, MA (URL)) Assessment of experimental evidence regarding the effect of this variant on protein function is inconclusive. (PMID: 17436221, 19364868, 19887119, 20176107, 25462018, 27987238, 25852747, 37470284) This variant segregates with disease in multiple families.

Institute of Human Genetics, University of Leipzig Medical Center
Classification: Pathogenic for Progressive external ophthalmoplegia with mitochondrial DNA deletions, autosomal recessive 1. Last evaluated: 2024-03-27. Review status: criteria provided, single submitter. Criteria: ACMG Guidelines, 2015. Collection method: clinical testing. Allele origin: unknown. Affected: yes.
Comment: Criteria applied: PM3_VSTR,PS3_MOD,PP3

Department of Pathology and Laboratory Medicine, Sinai Health System
Classification: Likely pathogenic for Sensory ataxic neuropathy, dysarthria, and ophthalmoparesis; Mitochondrial DNA depletion syndrome 4b; Progressive sclerosing poliodystrophy; Mitochondrial DNA depletion syndrome 1; Progressive external ophthalmoplegia with mitochondrial DNA deletions, autosomal recessive 1; Progressive external ophthalmoplegia with mitochondrial DNA deletions, autosomal dominant 1. Last evaluated: 2023-10-20. Review status: criteria provided, single submitter. Criteria: ACMG Guidelines, 2015. Collection method: research. Allele origin: germline.

Baylor Genetics
Classification: Uncertain significance for Progressive sclerosing poliodystrophy. Last evaluated: 2023-05-11. Review status: criteria provided, single submitter. Criteria: ACMG Guidelines, 2015. Collection method: clinical testing. Allele origin: unknown.

Mendelics
Classification: Pathogenic. Last evaluated: 2023-03-30. Review status: criteria provided, single submitter. Criteria: Mendelics Assertion Criteria 2019. Collection method: clinical testing. Allele origin: germline.

Wong Mito Lab, Molecular and Human Genetics, Baylor College of Medicine
Classification: Pathogenic for Progressive sclerosing poliodystrophy. Last evaluated: 2018-10-01. Review status: criteria provided, single submitter. Criteria: ACMG Guidelines, 2015. Collection method: clinical testing. Allele origin: germline.
Comment: The NM_002693.2:c.2890C>T (NP_002684.1:p.Arg964Cys) [GRCH38: NC_000015.10:g.89320857G>A] variant in POLG gene is interpretated to be a Pathogenic based on ACMG guidelines (PMID: 25741868). This variant has been reported in PMID:17436221 . This variant meets the following evidence codes reported in the ACMG-guideline. PS1:This variation causes same amino-acid change as an established pathogenic variant. PM1:This variant is in mutational hot spot or a well-studied functional domain without benign variation. PM3:Detected in trans with a pathogenic variant for Mitochondrial DNA depletion syndrome 4A (Alpers type) which is a recessive disorder. PP1:This variant is co-segregated with Mitochondrial DNA depletion syndrome 4A (Alpers type) in multiple affected family members. PP4:Patient's phenotype or family history is highly specific for POLG. Based on the evidence criteria codes applied, the variant is suggested to be Pathogenic.

Genome Diagnostics Laboratory, The Hospital for Sick Children
Classification: Pathogenic for Hereditary spastic paraplegia. Last evaluated: 2017-12-01. Review status: criteria provided, single submitter. Criteria: ACMG Guidelines, 2015. Collection method: clinical testing. Allele origin: germline. Affected: yes.